The following is an entry in ClinVar:

NM_000760.4(CSF3R):c.2041-35T>C

Gene: CSF3R (colony stimulating factor 3 receptor; minus strand). Cytogenetic location: 1p34.3.
Variant type: single nucleotide variant.
Coding change: c.2041-35T>C on transcript NM_000760.4 (MANE Select); 35 bases into the intron before coding-DNA position 2041, T replaced by C.
Molecular consequence: intron variant. On other transcripts: missense variant (1).
Genome position (GRCh38, 1-based): chr1:36,466,862, A>G on the plus strand (T>C on the coding strand, the complement: CSF3R is on the minus strand). VCF-style: chr1-36466862-A-G. GRCh37 (hg19) VCF-style: chr1-36932463-A-G.
Other names: c.2087T>C, p.Met696Thr (NM_156039.3); c.2041-35T>C (NM_172313.3); short protein forms M696T.
Identifiers: ClinVar variation 3039490 (VCV003039490.19), dbSNP rs148916169, ClinGen allele CA768969.

ClinVar aggregate classification (germline): Likely benign. Review status: criteria provided, multiple submitters, no conflicts (2 of 4 stars). 5 submissions from 5 submitters: Likely benign (4). 1 of the submissions does not count toward it. Last evaluated 2026-04-09.

Conditions:
CSF3R-related disorder. Also called: CSF3R-related condition.

Allele frequency attached by ClinVar (database versions not stated): 1000 Genomes Project 30x 0.00312; 1000 Genomes Project 0.00359; TOPMed 0.00419; ESP Exome Variant Server 0.00462; gnomAD 0.00551; ExAC 0.00571; gnomAD exomes 0.00640.
gnomAD v4.1: 10,155 of 1,614,068 alleles (0.63%); highest among the groups gnomAD compares: Non-Finnish European, 0.66%; 53 homozygotes.

Submissions (5):

Women's Health and Genetics/Laboratory Corporation of America, LabCorp
Classification: Likely benign. Last evaluated: 2026-04-09. Review status: criteria provided, single submitter. Criteria: LabCorp Variant Classification Summary - May 2015. Collection method: clinical testing. Allele origin: germline.
Comment: Variant summary: CSF3R c.2087T>C (p.Met696Thr) results in a non-conservative amino acid change in the encoded protein sequence. Algorithms developed to predict the effect of missense changes on protein structure and function are either unavailable or do not agree on the potential impact of this missense change. The variant allele was found at a frequency of 0.0062 in 247244 control chromosomes in the gnomAD database, including 9 homozygotes. The observed variant frequency exceeds the estimated maximal expected allele frequency for disease-causing variants in CSF3R. To our knowledge, no occurrence of c.2087T>C in individuals affected with CSF3R-related conditions and no experimental evidence demonstrating its impact on protein function have been reported. ClinVar contains an entry for this variant (Variation ID: 3039490). Based on the evidence outlined above, the variant was classified as likely benign.

CeGaT Center for Human Genetics Tuebingen
Classification: Likely benign. Last evaluated: 2025-07-01. Review status: criteria provided, single submitter. Criteria: CeGaT Center For Human Genetics Tuebingen Variant Classification Criteria Version 2. Collection method: clinical testing. Allele origin: germline. Affected: yes. Observed: 3 variant alleles.
Comment: CSF3R: BP4, BS2

ARUP Laboratories, Molecular Genetics and Genomics, ARUP Laboratories
Classification: Likely benign. Last evaluated: 2025-03-14. Review status: criteria provided, single submitter. Criteria: ARUP Molecular Germline Variant Investigation Process 2024. Collection method: clinical testing. Allele origin: germline.

Blueprint Genetics
Classification: Likely benign. Last evaluated: 2024-11-19. Review status: criteria provided, single submitter. Criteria: ACMG Guidelines, 2015. Collection method: clinical testing. Allele origin: germline.

PreventionGenetics, part of Exact Sciences
Classification: Benign for CSF3R-related condition. Last evaluated: 2020-11-24. Review status: no assertion criteria provided. Collection method: clinical testing. Allele origin: germline. Not counted in ClinVar's aggregate classification.
Comment: This variant is classified as benign based on ACMG/AMP sequence variant interpretation guidelines (Richards et al. 2015 PMID: 25741868, with internal and published modifications).

Literature cited by the submitters: PubMed 23896413 (cited by Women's Health and Genetics/Laboratory Corporation of America, LabCorp); PubMed 28302714 (cited by Women's Health and Genetics/Laboratory Corporation of America, LabCorp); PubMed 24627528 (cited by Women's Health and Genetics/Laboratory Corporation of America, LabCorp); PubMed 23656643 (cited by Women's Health and Genetics/Laboratory Corporation of America, LabCorp); PubMed 23604229 (cited by Women's Health and Genetics/Laboratory Corporation of America, LabCorp); PubMed 27069254 (cited by Women's Health and Genetics/Laboratory Corporation of America, LabCorp).